The following is an entry in ClinVar:

ClinVar aggregate classification (germline): Uncertain significance. Review status: criteria provided, multiple submitters, no conflicts (2 of 4 stars). 5 submissions from 5 submitters: Uncertain significance (3). 2 of the submissions do not count toward it. Last evaluated 2025-12-09.

Conditions:
CACNA1D-related disorder.

Allele frequency attached by ClinVar (database versions not stated): ExAC 0.00004; gnomAD 0.00004; gnomAD exomes 0.00005; ESP Exome Variant Server 0.00023.
gnomAD v4.1: 74 of 1,614,016 alleles (0.0046%); highest among the groups gnomAD compares: Non-Finnish European, 0.0059%; no homozygotes.

Submissions (5):

Labcorp Genetics (formerly Invitae), Labcorp
Classification: Uncertain significance. Last evaluated: 2025-12-09. Review status: criteria provided, single submitter. Criteria: Invitae Variant Classification Sherloc (09022015). Collection method: clinical testing. Allele origin: germline.
Comment: This sequence change replaces methionine, which is neutral and non-polar, with leucine, which is neutral and non-polar, at codon 667 of the CACNA1D protein (p.Met667Leu). This variant is present in population databases (rs368260280, gnomAD 0.01%). This missense change has been observed in individual(s) with cardiac arrhythmia (PMID: 30847666). ClinVar contains an entry for this variant (Variation ID: 1284676). Invitae Evidence Modeling of protein sequence and biophysical properties (such as structural, functional, and spatial information, amino acid conservation, physicochemical variation, residue mobility, and thermodynamic stability) indicates that this missense variant is not expected to disrupt CACNA1D protein function with a negative predictive value of 80%. In summary, the available evidence is currently insufficient to determine the role of this variant in disease. Therefore, it has been classified as a Variant of Uncertain Significance.

Blueprint Genetics
Classification: Uncertain significance. Last evaluated: 2024-09-09. Review status: criteria provided, single submitter. Criteria: ACMG Guidelines, 2015. Collection method: clinical testing. Allele origin: germline.

PreventionGenetics, part of Exact Sciences
Classification: Uncertain significance for CACNA1D-related condition. Last evaluated: 2023-09-29. Review status: criteria provided, single submitter. Criteria: ACMG Guidelines, 2015. Collection method: clinical testing. Allele origin: germline.
Comment: The CACNA1D c.1999A>T variant is predicted to result in the amino acid substitution p.Met667Leu. This variant was reported in an individual with arrhythmia, although pathogenicity was not established (Supplemental File 2, van Lint et al. 2019. PubMed ID: 30847666). This variant is reported in 0.011% of alleles in individuals of European (Non-Finnish) descent in gnomAD. At this time, the clinical significance of this variant is uncertain due to the absence of conclusive functional and genetic evidence.

Clinical Genetics DNA and cytogenetics Diagnostics Lab, Erasmus MC, Erasmus Medical Center
Classification: Uncertain significance. Review status: no assertion criteria provided. Collection method: clinical testing. Allele origin: germline. Affected: yes. Study: VKGL Data-share Consensus. Not counted in ClinVar's aggregate classification.

Clinical Genetics, Academic Medical Center
Classification: Uncertain significance. Review status: no assertion criteria provided. Collection method: clinical testing. Allele origin: germline. Affected: yes. Study: VKGL Data-share Consensus. Not counted in ClinVar's aggregate classification.

Literature cited by the submitters: PubMed 30847666 (cited by Labcorp Genetics (formerly Invitae), Labcorp).

NM_001128840.3(CACNA1D):c.1939A>T (p.Met647Leu)

Gene: CACNA1D (calcium voltage-gated channel subunit alpha1 D; plus strand). Cytogenetic location: 3p21.1.
Variant type: single nucleotide variant.
Coding change: c.1939A>T on transcript NM_001128840.3 (MANE Select); coding-DNA position 1939, A replaced by T.
Protein change: p.Met647Leu; replaces methionine 647 with leucine.
Molecular consequence: missense variant.
Genome position (GRCh38, 1-based): chr3:53,723,838, A>T. VCF-style: chr3-53723838-A-T. GRCh37 (hg19) VCF-style: chr3-53757865-A-T.
Other names: c.1999A>T, p.Met667Leu (NM_000720.4); c.1939A>T, p.Met647Leu (NM_001128839.3); c.1999A>T (NM_000720.3); short protein forms M647L, M667L.
Identifiers: ClinVar variation 1284676 (VCV001284676.9), dbSNP rs368260280, ClinGen allele CA2454098.
Genomic context (GRCh38, chr3:53,723,838, plus strand): 5'-ATCTTGACTTATAGGCACTGGACTTCCCTGAGCAACTTAGTGGCATCCTTATTAAACTCC[A>T]TGAAGTCCATCGCTTCGCTGTTGCTTCTGCTTTTTCTCTTCATTATCATCTTTTCCTTGC-3'
Protein context (NP_001122312.1, residues 637-657): SNLVASLLNS[Met647Leu]KSIASLLLLL